The following is an entry in ClinVar:

ClinVar aggregate classification (germline): Benign (3 of 4 stars; one submission).

Conditions:
Breast-ovarian cancer, familial, susceptibility to, 2 (BROVCA2). Also called: BRCA2 Hereditary Breast and Ovarian Cancer. Identifiers: Orphanet 145, MedGen C2675520, MONDO:0012933, OMIM 612555. Disease mechanism: loss of function.

Allele frequency attached by ClinVar (database versions not stated): gnomAD 0.00503 and 0.00546; TOPMed 0.00562; 1000 Genomes Project 30x 0.00578; 1000 Genomes Project 0.00639.
gnomAD v4.1: 756 of 152,036 alleles (0.5%); highest among the groups gnomAD compares: African/African-American, 1.7%; 9 homozygotes.

Submission:

Evidence-based Network for the Interpretation of Germline Mutant Alleles (ENIGMA)
Classification: Benign for Breast-ovarian cancer, familial 2. Last evaluated: 2015-01-12. Review status: reviewed by expert panel. Criteria: ENIGMA BRCA1/2 Classification Criteria (2015). Collection method: curation. Allele origin: germline.
Comment: Class 1 not pathogenic based on frequency >1% in an outbred sampleset. Frequency 0.03049 (African), derived from 1000 genomes (2012-04-30).

NM_000059.4(BRCA2):c.6938-843C>T

Gene: BRCA2 (BRCA2 DNA repair associated; plus strand). Cytogenetic location: 13q13.1.
Variant type: single nucleotide variant.
Coding change: c.6938-843C>T on transcript NM_000059.4 (MANE Select); 843 bases into the intron before coding-DNA position 6938, C replaced by T.
Molecular consequence: intron variant.
Genome position (GRCh38, 1-based): chr13:32,345,984, C>T. VCF-style: chr13-32345984-C-T. GRCh37 (hg19) VCF-style: chr13-32920121-C-T.
Other names: IVS 12-843C>T.
Identifiers: ClinVar variation 209710 (VCV000209710.1), dbSNP rs115057418, ClinGen allele CA276678.